The following is an entry in ClinVar:

NM_177550.5(SLC13A5):c.497C>A (p.Thr166Asn)

Gene: SLC13A5 (solute carrier family 13 member 5; minus strand). Cytogenetic location: 17p13.1.
Variant type: single nucleotide variant.
Coding change: c.497C>A on transcript NM_177550.5 (MANE Select); coding-DNA position 497, C replaced by A.
Protein change: p.Thr166Asn; replaces threonine 166 with asparagine.
Molecular consequence: missense variant.
Genome position (GRCh38, 1-based): chr17:6,703,928, G>T on the plus strand (C>A on the coding strand, the complement: SLC13A5 is on the minus strand). VCF-style: chr17-6703928-G-T. GRCh37 (hg19) VCF-style: chr17-6607247-G-T.
Other names: c.497C>A, p.Thr166Asn (NM_001143838.3); c.446C>A, p.Thr149Asn (NM_001284509.2); c.368C>A, p.Thr123Asn (NM_001284510.2); short protein forms T149N, T123N, T166N.
Identifiers: ClinVar variation 966392 (VCV000966392.9), dbSNP rs758852137, ClinGen allele CA8331699.

ClinVar aggregate classification (germline): Uncertain significance (1 of 4 stars; one submission).

Conditions:
Developmental and epileptic encephalopathy, 25 (DEE25). Also called: Epileptic encephalopathy, early infantile, 25; Developmental and epileptic encephalopathy 25, with amelogenesis imperfecta; Epileptic encephalopathy, early infantile, 25, with amelogenesis imperfecta. Identifiers: Orphanet 442835, MedGen C4014621, MONDO:0014392, OMIM 615905.

Allele frequency attached by ClinVar (database versions not stated): gnomAD exomes below 0.00001 and 0.00002; TOPMed 0.00002; ExAC 0.00004.
gnomAD v4.1: 4 of 1,599,850 alleles (0.00025%); highest among the groups gnomAD compares: East Asian, 0.009%; no homozygotes.

Submission:

Labcorp Genetics (formerly Invitae), Labcorp
Classification: Uncertain significance for Developmental and epileptic encephalopathy, 25. Last evaluated: 2021-07-08. Review status: criteria provided, single submitter. Criteria: Invitae Variant Classification Sherloc (09022015). Collection method: clinical testing. Allele origin: germline.
Comment: In summary, the available evidence is currently insufficient to determine the role of this variant in disease. Therefore, it has been classified as a Variant of Uncertain Significance. Algorithms developed to predict the effect of missense changes on protein structure and function (SIFT, PolyPhen-2, Align-GVGD) all suggest that this variant is likely to be tolerated, but these predictions have not been confirmed by published functional studies and their clinical significance is uncertain. This variant has not been reported in the literature in individuals with SLC13A5-related conditions. This variant is present in population databases (rs758852137, ExAC 0.05%). This sequence change replaces threonine with asparagine at codon 166 of the SLC13A5 protein (p.Thr166Asn). The threonine residue is weakly conserved and there is a small physicochemical difference between threonine and asparagine.